The following is an entry in ClinVar:

NM_170606.3(KMT2C):c.2469T>C (p.Ile823=)

Gene: KMT2C (lysine methyltransferase 2C; minus strand). Cytogenetic location: 7q36.1.
Variant type: single nucleotide variant.
Coding change: c.2469T>C on transcript NM_170606.3 (MANE Select); coding-DNA position 2469, T replaced by C.
Protein change: p.Ile823=; no amino-acid change (isoleucine 823 retained).
Molecular consequence: synonymous variant.
Genome position (GRCh38, 1-based): chr7:152,247,965, A>G on the plus strand (T>C on the coding strand, the complement: KMT2C is on the minus strand). VCF-style: chr7-152247965-A-G. GRCh37 (hg19) VCF-style: chr7-151945050-A-G.
Identifiers: ClinVar variation 2571301 (VCV002571301.28), dbSNP rs779612367, ClinGen allele CA4581209.

ClinVar aggregate classification (germline): Likely benign. Review status: criteria provided, multiple submitters, no conflicts (2 of 4 stars). 2 submissions from 2 submitters: Likely benign (2). Last evaluated 2024-08-01.

Allele frequency attached by ClinVar (database versions not stated): TOPMed below 0.00001; ExAC 0.00001; gnomAD 0.00001.
gnomAD v4.1: 1 of 1,614,050 alleles (0.000062%); highest among the groups gnomAD compares: Non-Finnish European, 0.000085%; no homozygotes.

Submissions (2):

CeGaT Center for Human Genetics Tuebingen
Classification: Likely benign. Last evaluated: 2024-08-01. Review status: criteria provided, single submitter. Criteria: CeGaT Center For Human Genetics Tuebingen Variant Classification Criteria Version 2. Collection method: clinical testing. Allele origin: germline. Affected: yes. Observed: 2 variant alleles.
Comment: KMT2C: BP4, BP7

Blueprint Genetics
Classification: Likely benign. Last evaluated: 2024-01-18. Review status: criteria provided, single submitter. Criteria: ACMG Guidelines, 2015. Collection method: clinical testing. Allele origin: germline.